The following is an entry in ClinVar:

NM_007294.4(BRCA1):c.1914A>G (p.Glu638=)

Gene: BRCA1 (BRCA1 DNA repair associated; minus strand). Cytogenetic location: 17q21.31.
Variant type: single nucleotide variant.
Coding change: c.1914A>G on transcript NM_007294.4 (MANE Select); coding-DNA position 1914, A replaced by G.
Protein change: p.Glu638=; no amino-acid change (glutamic acid 638 retained).
Molecular consequence: synonymous variant. On other transcripts: intron variant (137).
Genome position (GRCh38, 1-based): chr17:43,093,617, T>C on the plus strand (A>G on the coding strand, the complement: BRCA1 is on the minus strand). VCF-style: chr17-43093617-T-C. GRCh37 (hg19) VCF-style: chr17-41245634-T-C.
Other names: c.1701A>G, p.Glu567= (NM_001407571.1, NM_001407853.1, NM_001407894.1 and 9 more transcripts); c.1914A>G, p.Glu638= (NM_001407581.1, NM_001407582.1, NM_001407583.1 and 30 more transcripts); c.1911A>G, p.Glu637= (NM_001407587.1, NM_001407590.1, NM_001407591.1 and 22 more transcripts); c.1905A>G, p.Glu635= (NM_001407646.1, NM_001407647.1); c.1791A>G, p.Glu597= (NM_001407648.1, NM_001407664.1, NM_001407665.1 and 19 more transcripts); c.1788A>G, p.Glu596= (NM_001407649.1, NM_001407670.1, NM_001407671.1 and 11 more transcripts); c.1836A>G, p.Glu612= (NM_001407653.1, NM_001407654.1, NM_001407655.1 and 4 more transcripts); c.1833A>G, p.Glu611= (NM_001407659.1, NM_001407660.1, NM_001407661.1 and 1 more transcripts); and 40 more.
Identifiers: ClinVar variation 1666944 (VCV001666944.11), dbSNP rs2154410775, ClinGen allele CA500232768.

ClinVar aggregate classification (germline): Likely benign. Review status: criteria provided, multiple submitters, no conflicts (2 of 4 stars). 3 submissions from 3 submitters: Likely benign (3). Last evaluated 2026-08-01.

Conditions:
Hereditary cancer-predisposing syndrome. Also called: Tumor predisposition; Hereditary Cancer Syndrome; Neoplastic Syndromes, Hereditary; Hereditary neoplastic syndrome. Identifiers: Orphanet 140162, MedGen C0027672, MeSH D009386, MONDO:0015356.
Hereditary breast ovarian cancer syndrome. Also called: BRCA1- and BRCA2-Associated Hereditary Breast and Ovarian Cancer; Hereditary breast and ovarian cancer; Hereditary breast and ovarian cancer syndrome; Hereditary breast and ovarian cancer syndrome (HBOC); Breast and ovarian cancer; Hereditary breast and/or ovarian cancer syndrome. Identifiers: Orphanet 145, MedGen C0677776, MeSH D061325, MONDO:0003582. Disease mechanism: loss of function.

Submissions (3):

CeGaT Center for Human Genetics Tuebingen
Classification: Likely benign. Last evaluated: 2026-08-01. Review status: criteria provided, single submitter. Criteria: CeGaT Center For Human Genetics Tuebingen Variant Classification Criteria Version 2. Collection method: clinical testing. Allele origin: germline. Affected: yes. Observed: 1 variant allele.
Comment: BRCA1: PM2:Supporting, BP4, BP7

Ambry Genetics
Classification: Likely benign for Hereditary cancer-predisposing syndrome. Last evaluated: 2024-08-22. Review status: criteria provided, single submitter. Criteria: Ambry Variant Classification Scheme 2023. Collection method: clinical testing. Allele origin: germline.

Labcorp Genetics (formerly Invitae), Labcorp
Classification: Likely benign for Hereditary breast ovarian cancer syndrome. Last evaluated: 2021-07-23. Review status: criteria provided, single submitter. Criteria: Invitae Variant Classification Sherloc (09022015). Collection method: clinical testing. Allele origin: germline.